The following is an entry in ClinVar:

ClinVar aggregate classification (germline): Uncertain significance. Review status: criteria provided, single submitter (1 of 4 stars). 2 submissions from 2 submitters: Uncertain significance (1). 1 of the submissions does not count toward it. Last evaluated 2021-09-02.

Conditions:
Familial Mediterranean fever (FMF). Also called: POLYSEROSITIS, FAMILIAL PAROXYSMAL; POLYSEROSITIS, RECURRENT; Periodic peritonitis; Benign paroxysmal peritonitis. Identifiers: Orphanet 342, MedGen C0031069, MONDO:0018088, OMIM 249100. Disease mechanism: gain of function.

Allele frequency attached by ClinVar (database versions not stated): gnomAD exomes below 0.00001; gnomAD 0.00002; TOPMed 0.00002.
gnomAD v4.1: 5 of 1,613,718 alleles (0.00031%); highest among the groups gnomAD compares: African/African-American, 0.0067%; no homozygotes.

Submissions (2):

Labcorp Genetics (formerly Invitae), Labcorp
Classification: Uncertain significance for Familial Mediterranean fever. Last evaluated: 2021-09-02. Review status: criteria provided, single submitter. Criteria: Invitae Variant Classification Sherloc (09022015). Collection method: clinical testing. Allele origin: germline.
Comment: This sequence change replaces valine with isoleucine at codon 598 of the MEFV protein (p.Val598Ile). The valine residue is weakly conserved and there is a small physicochemical difference between valine and isoleucine. This variant also falls at the last nucleotide of exon 9, which is part of the consensus splice site for this exon. This variant is not present in population databases (ExAC no frequency). This variant has not been reported in the literature in individuals affected with MEFV-related conditions. Algorithms developed to predict the effect of missense changes on protein structure and function (SIFT, PolyPhen-2, Align-GVGD) all suggest that this variant is likely to be tolerated. Variants that disrupt the consensus splice site are a relatively common cause of aberrant splicing (PMID: 17576681, 9536098). Algorithms developed to predict the effect of sequence changes on RNA splicing suggest that this variant may disrupt the consensus splice site. In summary, the available evidence is currently insufficient to determine the role of this variant in disease. Therefore, it has been classified as a Variant of Uncertain Significance.

Natera, Inc.
Classification: Uncertain significance for Familial Mediterranean fever. Last evaluated: 2021-06-03. Review status: no assertion criteria provided. Collection method: clinical testing. Allele origin: germline. Not counted in ClinVar's aggregate classification.

Literature cited by the submitters: PubMed 17576681 (cited by Labcorp Genetics (formerly Invitae), Labcorp); PubMed 9536098 (cited by Labcorp Genetics (formerly Invitae), Labcorp).

NM_000243.3(MEFV):c.1792G>A (p.Val598Ile)

Genes: MEFV (MEFV innate immunity regulator, pyrin; minus strand), LOC126862264 (CDK7 strongly-dependent group 2 enhancer GRCh37_chr16:3293322-3294521; plus strand). Cytogenetic location: 16p13.3.
Variant type: single nucleotide variant.
Coding change: c.1792G>A on transcript NM_000243.3 (MANE Select); coding-DNA position 1792, G replaced by A.
Protein change: p.Val598Ile; replaces valine 598 with isoleucine.
Molecular consequence: missense variant.
Genome position (GRCh38, 1-based): chr16:3,243,860, C>T on the plus strand (G>A on the coding strand, the complement: MEFV is on the minus strand). VCF-style: chr16-3243860-C-T. GRCh37 (hg19) VCF-style: chr16-3293860-C-T.
Other names: c.1334G>A, p.Cys445Tyr (NM_001198536.2); short protein forms C445Y, V598I.
Identifiers: ClinVar variation 936102 (VCV000936102.11), dbSNP rs1028273722, ClinGen allele CA276955464.
Genomic context (GRCh38, chr16:3,243,860, plus strand): 5'-GTAGGGGAGAGCACAGGGATCCAGCAGGCCAGGGCCACTTGCCTTGATCTGGGCACTTAC[C>T]AGCATGTGCCTGAGCGCCAATCAGCTCCGGAACTACGGAGAAAAATCAGATAGGGAAAAA-3'
Protein context (NP_000234.1, residues 588-608): PELIGAQAHA[Val598Ile]NVILDAETAY